The following is an entry in ClinVar:

NM_033380.3(COL4A5):c.4875C>T (p.Ser1625=)

Gene: COL4A5 (collagen type IV alpha 5 chain; plus strand). Cytogenetic location: Xq22.3.
Variant type: single nucleotide variant.
Coding change: c.4875C>T on transcript NM_033380.3 (MANE Select); coding-DNA position 4875, C replaced by T.
Protein change: p.Ser1625=; no amino-acid change (serine 1625 retained).
Molecular consequence: synonymous variant.
Genome position (GRCh38, 1-based): chrX:108,695,320, C>T. VCF-style: chrX-108695320-C-T. GRCh37 (hg19) VCF-style: chrX-107938550-C-T.
Other names: c.4857C>T, p.Ser1619= (NM_000495.5).
Identifiers: ClinVar variation 1140777 (VCV001140777.9), dbSNP rs2148002328, ClinGen allele CA517926098.

ClinVar aggregate classification (germline): Uncertain significance (1 of 4 stars; one submission).

Submission:

Labcorp Genetics (formerly Invitae), Labcorp
Classification: Uncertain significance. Last evaluated: 2025-03-17. Review status: criteria provided, single submitter. Criteria: Invitae Variant Classification Sherloc (09022015). Collection method: clinical testing. Allele origin: germline.
Comment: This sequence change affects codon 1619 of the COL4A5 mRNA. It is a 'silent' change, meaning that it does not change the encoded amino acid sequence of the COL4A5 protein. This variant is not present in population databases (gnomAD no frequency). This variant has been observed in individual(s) with Alport syndrome (internal data). Algorithms developed to predict the effect of sequence changes on RNA splicing suggest that this variant may disrupt the consensus splice site. In summary, the available evidence is currently insufficient to determine the role of this variant in disease. Therefore, it has been classified as a Variant of Uncertain Significance.